The following is an entry in ClinVar:

ClinVar aggregate classification (germline): Pathogenic (1 of 4 stars; one submission).

Conditions:
Diamond-Blackfan anemia 1 (DBA1). Also called: RPS19-Related Diamond-Blackfan Anemia; BLACKFAN-DIAMOND SYNDROME; ANEMIA, CONGENITAL HYPOPLASTIC, OF BLACKFAN AND DIAMOND; ANEMIA, CONGENITAL ERYTHROID HYPOPLASTIC; RED CELL APLASIA, PURE, HEREDITARY; AREGENERATIVE ANEMIA, CHRONIC CONGENITAL. Identifiers: Orphanet 124, MedGen C2676137, MONDO:0007110, OMIM 105650.

Submission:

3billion
Classification: Pathogenic for Diamond-Blackfan anemia 1. Last evaluated: 2025-05-07. Review status: criteria provided, single submitter. Criteria: ACMG Guidelines, 2015. Collection method: clinical testing. Allele origin: germline. Affected: yes.
Comment: The variant is not observed in the gnomAD v4.1.0 dataset. Predicted Consequence/Location: Frameshift: predicted to result in a loss or disruption of normal protein function through nonsense-mediated decay (NMD) or protein truncation. Multiple pathogenic variants are reported downstream of the variant. The variant has been reported to be associated with RPS19-related disorder (PMID: 34671977). Therefore, this variant is classified as Pathogenic according to the recommendation of ACMG/AMP guideline.

Literature cited by the submitters: PubMed 34671977.

NM_001022.4(RPS19):c.242del (p.Gly81fs)

Genes: RPS19 (ribosomal protein S19; plus strand), RPS19-CD79A (RPS19-CD79A readthrough; plus strand). Cytogenetic location: 19q13.2.
Variant type: Deletion.
Coding change: c.242del on transcript NM_001022.4 (MANE Select); coding-DNA position 242, one base deleted (G; older notation c.242delG).
Protein change: p.Gly81fs; shifts the reading frame from glycine 81.
Molecular consequence: frameshift variant.
Genome position (GRCh38, 1-based): chr19:41,869,100, G deleted; the last of 5 consecutive G bases (chr19:41,869,096-41,869,100); deleting any one gives the same sequence. VCF-style (leftmost placement, unchanged base first): chr19-41869095-TG-T. GRCh37 (hg19) VCF-style: chr19-42373165-TG-T.
Other names: c.242del, p.Gly81fs (NM_001321483.2, NM_001321484.2); c.255del, p.Thr86fs (NM_001321485.2); short protein forms G81fs, T86fs.
Identifiers: ClinVar variation 4855511 (VCV004855511.1).